The following is an entry in ClinVar:

NM_001377540.1(SLMAP):c.473C>T (p.Pro158Leu)

Gene: SLMAP (sarcolemma associated protein; plus strand). Cytogenetic location: 3p14.3.
Variant type: single nucleotide variant.
Coding change: c.473C>T on transcript NM_001377540.1 (MANE Select); coding-DNA position 473, C replaced by T.
Protein change: p.Pro158Leu; replaces proline 158 with leucine.
Molecular consequence: missense variant. On other transcripts: non-coding transcript variant (1).
Genome position (GRCh38, 1-based): chr3:57,849,770, C>T. VCF-style: chr3-57849770-C-T. GRCh37 (hg19) VCF-style: chr3-57835497-C-T.
Other names: c.473C>T, p.Pro158Leu (NM_001377541.1, NM_001377542.1, NM_001377545.1 and 17 more transcripts); short protein forms P158L.
Identifiers: ClinVar variation 2997930 (VCV002997930.3), dbSNP rs746941191, ClinGen allele CA2466841.

ClinVar aggregate classification (germline): Uncertain significance (1 of 4 stars; one submission).

Conditions:
Brugada syndrome. Also called: Sudden unexpected nocturnal death syndrome; Sudden unexplained nocturnal death syndrome; Sudden Unexplained Death Syndrome; Sudden Unexplained Nocturnal Death Syndrome (SUNDS). Identifiers: Orphanet 130, MedGen C1142166, MONDO:0015263.

Allele frequency attached by ClinVar (database versions not stated): TOPMed below 0.00001; ExAC 0.00001.

Submission:

Labcorp Genetics (formerly Invitae), Labcorp
Classification: Uncertain significance for Brugada syndrome. Last evaluated: 2023-12-23. Review status: criteria provided, single submitter. Criteria: Invitae Variant Classification Sherloc (09022015). Collection method: clinical testing. Allele origin: germline.
Comment: This sequence change replaces proline, which is neutral and non-polar, with leucine, which is neutral and non-polar, at codon 158 of the SLMAP protein (p.Pro158Leu). This variant is present in population databases (rs746941191, gnomAD 0.0009%). This variant has not been reported in the literature in individuals affected with SLMAP-related conditions. An algorithm developed to predict the effect of missense changes on protein structure and function (PolyPhen-2) suggests that this variant is likely to be disruptive. In summary, the available evidence is currently insufficient to determine the role of this variant in disease. Therefore, it has been classified as a Variant of Uncertain Significance.